The following is an entry in ClinVar:

ClinVar aggregate classification (germline): Uncertain significance (1 of 4 stars; one submission).

Conditions:
Pulmonary fibrosis and/or bone marrow failure, Telomere-related, 3. Also called: PULMONARY FIBROSIS AND/OR BONE MARROW FAILURE SYNDROME, TELOMERE-RELATED, 3. Identifiers: Orphanet 2032, MedGen C4225346, MONDO:0014613, OMIM 616373.
Dyskeratosis congenita, autosomal recessive 5 (DKCB5). Identifiers: MedGen C3554656, MONDO:0014076, OMIM 615190.

Submission:

Labcorp Genetics (formerly Invitae), Labcorp
Classification: Uncertain significance for Dyskeratosis congenita, autosomal recessive 5; Pulmonary fibrosis and/or bone marrow failure, Telomere-related, 3. Last evaluated: 2022-02-22. Review status: criteria provided, single submitter. Criteria: Invitae Variant Classification Sherloc (09022015). Collection method: clinical testing. Allele origin: germline.
Comment: This sequence change replaces glutamine, which is neutral and polar, with histidine, which is basic and polar, at codon 1126 of the RTEL1 protein (p.Gln1126His). This variant is not present in population databases (gnomAD no frequency). This variant has not been reported in the literature in individuals affected with RTEL1-related conditions. Algorithms developed to predict the effect of missense changes on protein structure and function (SIFT, PolyPhen-2, Align-GVGD) all suggest that this variant is likely to be tolerated. Algorithms developed to predict the effect of sequence changes on RNA splicing suggest that this variant may create or strengthen a splice site. In summary, the available evidence is currently insufficient to determine the role of this variant in disease. Therefore, it has been classified as a Variant of Uncertain Significance.

NM_001283009.2(RTEL1):c.3378G>C (p.Gln1126His)

Genes: RTEL1 (regulator of telomere elongation helicase 1; plus strand), RTEL1-TNFRSF6B (RTEL1-TNFRSF6B readthrough (NMD candidate); plus strand). Cytogenetic location: 20q13.33.
Variant type: single nucleotide variant.
Coding change: c.3378G>C on transcript NM_001283009.2 (MANE Select); coding-DNA position 3378, G replaced by C.
Protein change: p.Gln1126His; replaces glutamine 1126 with histidine.
Molecular consequence: missense variant. On other transcripts: non-coding transcript variant (1).
Genome position (GRCh38, 1-based): chr20:63,695,100, G>C. VCF-style: chr20-63695100-G-C. GRCh37 (hg19) VCF-style: chr20-62326453-G-C.
Other names: c.2709G>C, p.Gln903His (NM_001283010.1); c.3378G>C, p.Gln1126His (NM_016434.4); c.3450G>C, p.Gln1150His (NM_032957.5); short protein forms Q903H, Q1126H, Q1150H.
Identifiers: ClinVar variation 2190151 (VCV002190151.1), dbSNP rs2517200564, ClinGen allele CA409685314.